The following is an entry in ClinVar:

NM_000754.4(COMT):c.575_576insT (p.Trp193fs)

Gene: COMT (catechol-O-methyltransferase; plus strand). Cytogenetic location: 22q11.21.
Variant type: Insertion.
Coding change: c.575_576insT on transcript NM_000754.4 (MANE Select); coding-DNA positions 575 to 576, T inserted.
Protein change: p.Trp193fs; shifts the reading frame from tryptophan 193.
Molecular consequence: frameshift variant.
Genome position: GRCh38 VCF-style: chr22-19964259-A-AT. GRCh37 (hg19) VCF-style: chr22-19951782-A-AT.
Other names: c.575_576insT, p.Trp193fs (NM_001135161.2, NM_001135162.2, NM_001362828.2); c.425_426insT, p.Trp143fs (NM_007310.3); short protein forms W143fs, W193fs.
Identifiers: ClinVar variation 2500149 (VCV002500149.1), dbSNP rs2517476743, ClinGen allele CA2580099116.

ClinVar aggregate classification (germline): Pathogenic (1 of 4 stars; one submission).

Conditions:
Bardet-Biedl syndrome (BBS). Identifiers: Orphanet 110, MedGen C0752166, MONDO:0015229.

Submission:

SN ONGC Dept of Genetics and Molecular biology Vision Research Foundation
Classification: Pathogenic for Bardet-Biedl syndrome. Review status: criteria provided, single submitter. Criteria: ACMG Guidelines, 2015. Collection method: research. Allele origin: biparental. Affected: yes. Observed: 1 heterozygote.
Comment: This variant was observed in digenic inheritance with the variant NC_000002.11:g.121742222C>T.